The following is an entry in ClinVar:

ClinVar aggregate classification (germline): Likely benign. Review status: criteria provided, multiple submitters, no conflicts (2 of 4 stars). 2 submissions from 2 submitters: Likely benign (2). Last evaluated 2024-09-26.

Conditions:
Melanoma, cutaneous malignant, susceptibility to, 3. Also called: Cutaneous malignant melanoma 3. Identifiers: Orphanet 618, MedGen C1836892, MONDO:0012183, OMIM 609048.
Familial melanoma. Also called: Hereditary melanoma; Hereditary cutaneous melanoma. Identifiers: Orphanet 618, MedGen C1512419, MONDO:0018961.

Allele frequency attached by ClinVar (database versions not stated): gnomAD 0.00001; gnomAD exomes 0.00001 and 0.00002; ExAC 0.00007; 1000 Genomes Project 30x 0.00016; 1000 Genomes Project 0.00020.

Submissions (2):

Myriad Genetics, Inc.
Classification: Likely benign for Melanoma, cutaneous malignant, susceptibility to, 3. Last evaluated: 2024-09-26. Review status: criteria provided, single submitter. Criteria: Myriad Autosomal Dominant, Autosomal Recessive and X-Linked Classification Criteria (2023). Collection method: clinical testing. Allele origin: unknown.
Comment: This variant is considered likely benign. This variant is intronic and is not expected to impact mRNA splicing.

Labcorp Genetics (formerly Invitae), Labcorp
Classification: Likely benign for Familial melanoma. Last evaluated: 2023-11-13. Review status: criteria provided, single submitter. Criteria: Invitae Variant Classification Sherloc (09022015). Collection method: clinical testing. Allele origin: germline.

NM_000075.4(CDK4):c.683+7G>A

Genes: TSPAN31 (tetraspanin 31; plus strand), CDK4 (cyclin dependent kinase 4; minus strand). Cytogenetic location: 12q14.1.
Variant type: single nucleotide variant.
Coding change: c.683+7G>A on transcript NM_000075.4 (MANE Select); 7 bases into the intron after coding-DNA position 683, G replaced by A.
Molecular consequence: intron variant. On other transcripts: 3 prime UTR variant (3).
Genome position (GRCh38, 1-based): chr12:57,749,447, C>T on the plus strand (G>A on the coding strand, the complement: CDK4 is on the minus strand). VCF-style: chr12-57749447-C-T. GRCh37 (hg19) VCF-style: chr12-58143230-C-T.
Other names: c.*2157C>T (NM_001330168.2, NM_001330169.2, NM_005981.5).
Identifiers: ClinVar variation 1668135 (VCV001668135.9), dbSNP rs565689797, ClinGen allele CA6657721.